The following is an entry in ClinVar:

ClinVar aggregate classification (germline): Uncertain significance. Review status: criteria provided, multiple submitters, no conflicts (2 of 4 stars). 2 submissions from 2 submitters: Uncertain significance (2). Last evaluated 2026-01-06.

Conditions:
Growth failure in early childhood.

Allele frequency attached by ClinVar (database versions not stated): gnomAD 0.00001; ExAC 0.00006; TOPMed 0.00004; gnomAD exomes 0.00002.
gnomAD v4.1: 34 of 1,613,752 alleles (0.0021%); highest among the groups gnomAD compares: East Asian, 0.011%; no homozygotes.

Submissions (2):

Labcorp Genetics (formerly Invitae), Labcorp
Classification: Uncertain significance. Last evaluated: 2026-01-06. Review status: criteria provided, single submitter. Criteria: Invitae Variant Classification Sherloc (09022015). Collection method: clinical testing. Allele origin: germline.
Comment: This sequence change replaces arginine, which is basic and polar, with histidine, which is basic and polar, at codon 2389 of the ACAN protein (p.Arg2389His). This variant is present in population databases (rs368833137, gnomAD 0.05%). This variant has not been reported in the literature in individuals affected with ACAN-related conditions. ClinVar contains an entry for this variant (Variation ID: 2900824). An algorithm developed to predict the effect of missense changes on protein structure and function outputs the following: PolyPhen-2: "Benign". The histidine amino acid residue is found in multiple mammalian species, which suggests that this missense change does not adversely affect protein function. In summary, the available evidence is currently insufficient to determine the role of this variant in disease. Therefore, it has been classified as a Variant of Uncertain Significance.

Cambridge Genomics Laboratory, East Genomic Laboratory Hub, NHS Genomic Medicine Service
Classification: Uncertain significance for Growth failure in early childhood. Last evaluated: 2024-09-10. Review status: criteria provided, single submitter. Criteria: ACGS Best Practice Guidelines for Variant Classification in Rare Disease 2020. Collection method: clinical testing. Allele origin: germline. Affected: yes.
Comment: PM2,BP4

NM_001369268.1(ACAN):c.7280G>A (p.Arg2427His)

Gene: ACAN (aggrecan; plus strand). Cytogenetic location: 15q26.1.
Variant type: single nucleotide variant.
Coding change: c.7280G>A on transcript NM_001369268.1 (MANE Select); coding-DNA position 7280, G replaced by A.
Protein change: p.Arg2427His; replaces arginine 2427 with histidine.
Molecular consequence: missense variant.
Genome position (GRCh38, 1-based): chr15:88,872,063, G>A. VCF-style: chr15-88872063-G-A. GRCh37 (hg19) VCF-style: chr15-89415294-G-A.
Other names: c.7052G>A, p.Arg2351His (NM_001135.4, NM_001411096.1); c.7166G>A, p.Arg2389His (NM_001411097.1, NM_013227.4); short protein forms R2351H, R2389H, R2427H.
Identifiers: ClinVar variation 2900824 (VCV002900824.4), dbSNP rs368833137, ClinGen allele CA7720626.